The following is an entry in ClinVar:

ClinVar aggregate classification (germline): Uncertain significance (1 of 4 stars; one submission).

gnomAD v4.1: 16 of 1,612,728 alleles (0.00099%); highest among the groups gnomAD compares: Non-Finnish European, 0.0014%; no homozygotes.

Submission:

Labcorp Genetics (formerly Invitae), Labcorp
Classification: Uncertain significance. Last evaluated: 2025-12-20. Review status: criteria provided, single submitter. Criteria: Invitae Variant Classification Sherloc (09022015). Collection method: clinical testing. Allele origin: germline.
Comment: This sequence change replaces isoleucine, which is neutral and non-polar, with valine, which is neutral and non-polar, at codon 271 of the CDT1 protein (p.Ile271Val). This variant is present in population databases (rs769470361, gnomAD 0.002%). This variant has not been reported in the literature in individuals affected with CDT1-related conditions. An algorithm developed to predict the effect of missense changes on protein structure and function outputs the following: PolyPhen-2: "Benign". The valine amino acid residue is found in multiple mammalian species, which suggests that this missense change does not adversely affect protein function. In summary, the available evidence is currently insufficient to determine the role of this variant in disease. Therefore, it has been classified as a Variant of Uncertain Significance.

NM_030928.4(CDT1):c.811A>G (p.Ile271Val)

Gene: CDT1 (chromatin licensing and DNA replication factor 1; plus strand). Cytogenetic location: 16q24.3.
Variant type: single nucleotide variant.
Coding change: c.811A>G on transcript NM_030928.4 (MANE Select); coding-DNA position 811, A replaced by G.
Protein change: p.Ile271Val; replaces isoleucine 271 with valine.
Molecular consequence: missense variant.
Genome position (GRCh38, 1-based): chr16:88,805,848, A>G. VCF-style: chr16-88805848-A-G. GRCh37 (hg19) VCF-style: chr16-88872256-A-G.
Other names: short protein forms I271V.
Identifiers: ClinVar variation 4696658 (VCV004696658.1).